The following is an entry in ClinVar:

NM_001382567.1(STIM1):c.630C>G (p.His210Gln)

Gene: STIM1 (stromal interaction molecule 1; plus strand). Cytogenetic location: 11p15.4.
Variant type: single nucleotide variant.
Coding change: c.630C>G on transcript NM_001382567.1 (MANE Select); coding-DNA position 630, C replaced by G.
Protein change: p.His210Gln; replaces histidine 210 with glutamine.
Molecular consequence: missense variant. On other transcripts: non-coding transcript variant (2).
Genome position (GRCh38, 1-based): chr11:4,070,042, C>G. VCF-style: chr11-4070042-C-G. GRCh37 (hg19) VCF-style: chr11-4091272-C-G.
Other names: c.630C>G, p.His210Gln (NM_001277961.3, NM_001277962.2, NM_001382568.1 and 2 more transcripts); c.408C>G, p.His136Gln (NM_001382566.1, NM_001382573.1, NM_001382574.1 and 5 more transcripts); c.495C>G, p.His165Gln (NM_001382569.1); c.402C>G, p.His134Gln (NM_001382570.1); c.150C>G, p.His50Gln (NM_001382571.1); c.141C>G, p.His47Gln (NM_001382580.1, NM_001382581.1); short protein forms H134Q, H165Q, H50Q, H136Q, H210Q, H47Q.
Identifiers: ClinVar variation 2948830 (VCV002948830.3), dbSNP rs199743104, ClinGen allele CA379485985.

ClinVar aggregate classification (germline): Uncertain significance (1 of 4 stars; one submission).

Conditions:
Stormorken syndrome (STRMK). Also called: THROMBOCYTOPATHY, ASPLENIA, AND MIOSIS. Identifiers: Orphanet 3204, MedGen C1861451, MONDO:0008497, OMIM 185070.
Combined immunodeficiency due to STIM1 deficiency. Also called: STIM1 DEFICIENCY; IMMUNODEFICIENCY 10. Identifiers: Orphanet 169090, Orphanet 317430, MedGen C2748557, MONDO:0013008, OMIM 612783.
Myopathy with tubular aggregates (TAM). Also called: Tubular Aggregate Myopathy. Identifiers: Orphanet 2593, MedGen C0410207, MONDO:0008051.

gnomAD v4.1: 1 of 1,614,158 alleles (0.000062%); highest among the groups gnomAD compares: Admixed American, 0.0017%; no homozygotes.

Submission:

Labcorp Genetics (formerly Invitae), Labcorp
Classification: Uncertain significance for Myopathy with tubular aggregates; Combined immunodeficiency due to STIM1 deficiency; Stormorken syndrome. Last evaluated: 2023-06-14. Review status: criteria provided, single submitter. Criteria: Invitae Variant Classification Sherloc (09022015). Collection method: clinical testing. Allele origin: germline.
Comment: In summary, the available evidence is currently insufficient to determine the role of this variant in disease. Therefore, it has been classified as a Variant of Uncertain Significance. Advanced modeling of protein sequence and biophysical properties (such as structural, functional, and spatial information, amino acid conservation, physicochemical variation, residue mobility, and thermodynamic stability) performed at Invitae indicates that this missense variant is not expected to disrupt STIM1 protein function. This variant has not been reported in the literature in individuals affected with STIM1-related conditions. This variant is present in population databases (no rsID available, gnomAD 0.003%). This sequence change replaces histidine, which is basic and polar, with glutamine, which is neutral and polar, at codon 210 of the STIM1 protein (p.His210Gln).